The following is an entry in ClinVar:

NM_001009944.3(PKD1):c.987G>T (p.Gly329=)

Gene: PKD1 (polycystin 1, transient receptor potential channel interacting; minus strand). Cytogenetic location: 16p13.3.
Variant type: single nucleotide variant.
Coding change: c.987G>T on transcript NM_001009944.3 (MANE Select); coding-DNA position 987, G replaced by T.
Protein change: p.Gly329=; no amino-acid change (glycine 329 retained).
Molecular consequence: synonymous variant.
Genome position (GRCh38, 1-based): chr16:2,118,005, C>A on the plus strand (G>T on the coding strand, the complement: PKD1 is on the minus strand). VCF-style: chr16-2118005-C-A. GRCh37 (hg19) VCF-style: chr16-2168006-C-A.
Other names: c.987G>T, p.Gly329= (NM_000296.4).
Identifiers: ClinVar variation 4978169 (VCV004978169.1).

ClinVar aggregate classification (germline): Likely benign (1 of 4 stars; one submission).

Conditions:
PKD1-related disorder. Also called: PKD1-related condition.

gnomAD v4.1: 77 of 1,587,900 alleles (0.0048%); highest among the groups gnomAD compares: Middle Eastern, 0.045%; no homozygotes.

Submission:

PreventionGenetics, part of Exact Sciences
Classification: Likely benign for PKD1-related condition. Last evaluated: 2026-05-07. Review status: criteria provided, single submitter. Criteria: ACMG Guidelines, 2015. Collection method: clinical testing. Allele origin: germline.
Comment: This variant is classified as likely benign based on ACMG/AMP sequence variant interpretation guidelines (Richards et al. 2015 PMID: 25741868, with internal and published modifications).